The following is an entry in ClinVar:

NM_001377.3(DYNC2H1):c.1484A>C (p.Lys495Thr)

Gene: DYNC2H1 (dynein cytoplasmic 2 heavy chain 1; plus strand). Cytogenetic location: 11q22.3.
Variant type: single nucleotide variant.
Coding change: c.1484A>C on transcript NM_001377.3 (MANE Select); coding-DNA position 1484, A replaced by C.
Protein change: p.Lys495Thr; replaces lysine 495 with threonine.
Molecular consequence: missense variant.
Genome position (GRCh38, 1-based): chr11:103,121,495, A>C. VCF-style: chr11-103121495-A-C. GRCh37 (hg19) VCF-style: chr11-102992224-A-C.
Other names: p.Lys495Thr; c.1484A>C, p.Lys495Thr (NM_001080463.2); short protein forms K495T.
Identifiers: ClinVar variation 287980 (VCV000287980.37), dbSNP rs202233363, ClinGen allele CA6252780.

ClinVar aggregate classification (germline): Conflicting classifications of pathogenicity. Review status: criteria provided, conflicting classifications (1 of 4 stars). 9 submissions from 9 submitters: Uncertain significance (2); Benign (2); Likely benign (4). 1 of the submissions does not count toward it. Last evaluated 2026-01-28.

Conditions:
DYNC2H1-related disorder. Also called: DYNC2H1-related condition; DYNC2H1-related disorders. Identifiers: MedGen CN378770.
Jeune thoracic dystrophy. Also called: Short-rib thoracic dysplasia; Jeune syndrome; Infantile thoracic dystrophy; Thoracic pelvic phalangeal dystrophy; Jeune's syndrome; Chondroectodermal dysplasia-like syndrome. Identifiers: Orphanet 474, MedGen C0265275, MONDO:0018770.
Asphyxiating thoracic dystrophy 3. Also called: SHORT-RIB THORACIC DYSPLASIA 3 WITH OR WITHOUT POLYDACTYLY; POLYDACTYLY WITH NEONATAL CHONDRODYSTROPHY, TYPE I; SHORT-RIB THORACIC DYSPLASIA 3/6 WITH POLYDACTYLY, DIGENIC; Short rib polydactyly syndrome 2B; Saldino-Noonan Syndrome. Identifiers: Orphanet 474, Orphanet 93269, Orphanet 93270, Orphanet 93271, MedGen C0036069, MONDO:0013127, OMIM 613091.

Allele frequency attached by ClinVar (database versions not stated): 1000 Genomes Project 30x 0.00031; 1000 Genomes Project 0.00040; TOPMed 0.00215; gnomAD 0.00242 and 0.00255; gnomAD exomes 0.00264; ExAC 0.00334; ESP Exome Variant Server 0.00401.
gnomAD v4.1: 5,936 of 1,611,440 alleles (0.37%); highest among the groups gnomAD compares: Non-Finnish European, 0.47%; 23 homozygotes.

Submissions (16):

Labcorp Genetics (formerly Invitae), Labcorp
Classification: Benign for Jeune thoracic dystrophy. Last evaluated: 2026-01-28. Review status: criteria provided, single submitter. Criteria: Invitae Variant Classification Sherloc (09022015). Collection method: clinical testing. Allele origin: germline.

CeGaT Center for Human Genetics Tuebingen
Classification: Likely benign. Last evaluated: 2025-11-01. Review status: criteria provided, single submitter. Criteria: CeGaT Center For Human Genetics Tuebingen Variant Classification Criteria Version 2. Collection method: clinical testing. Allele origin: germline. Affected: yes. Observed: 1 variant allele.
Comment: DYNC2H1: PM5, BS2

Mayo Clinic Laboratories, Mayo Clinic
Classification: Likely benign. Last evaluated: 2025-06-18. Review status: criteria provided, single submitter. Criteria: ACMG Guidelines, 2015. Collection method: clinical testing. Allele origin: germline. Observed: 1 variant allele.
Comment: BS1

ARUP Laboratories, Molecular Genetics and Genomics, ARUP Laboratories
Classification: Likely benign for Asphyxiating thoracic dystrophy 3. Last evaluated: 2023-10-16. Review status: criteria provided, single submitter. Criteria: ARUP Molecular Germline Variant Investigation Process 2024. Collection method: clinical testing. Allele origin: germline.

GeneDx
Classification: Benign. Last evaluated: 2020-06-29. Review status: criteria provided, single submitter. Criteria: GeneDx Variant Classification Process June 2021. Collection method: clinical testing. Allele origin: germline. Affected: yes.

Genetic Services Laboratory, University of Chicago
Classification: Uncertain significance. Last evaluated: 2018-04-09. Review status: criteria provided, single submitter. Criteria: ACMG Guidelines, 2015. Collection method: clinical testing. Allele origin: germline. Affected: no.

Illumina Laboratory Services, Illumina
Classification: Uncertain significance for Asphyxiating thoracic dystrophy 3. Last evaluated: 2017-04-27. Review status: criteria provided, single submitter. Criteria: ICSL Variant Classification Criteria 13 December 2019. Collection method: clinical testing. Allele origin: germline.

Eurofins Ntd Llc (ga)
Classification: Likely benign. Last evaluated: 2016-05-31. Review status: criteria provided, single submitter. Criteria: EGL Classification Definitions 2015. Collection method: clinical testing. Allele origin: germline. Observed: 2 variant alleles, 2 heterozygotes.

PreventionGenetics, part of Exact Sciences
Classification: Likely benign for DYNC2H1-related condition. Last evaluated: 2020-05-28. Review status: no assertion criteria provided. Collection method: clinical testing. Allele origin: germline. Not counted in ClinVar's aggregate classification.
Comment: This variant is classified as likely benign based on ACMG/AMP sequence variant interpretation guidelines (Richards et al. 2015 PMID: 25741868, with internal and published modifications).

Dr. Peter K. Rogan Lab, Western University
No classification provided (evidence only). Condition: Lung cancer. Review status: no classification provided. Collection method: in vitro. Allele origin: not applicable. Functional consequence: retained intron. Not counted in ClinVar's aggregate classification.

Dr. Peter K. Rogan Lab, Western University
No classification provided (evidence only). Condition: Melanoma. Review status: no classification provided. Collection method: in vitro. Allele origin: not applicable. Functional consequence: retained intron. Not counted in ClinVar's aggregate classification.

Dr. Peter K. Rogan Lab, Western University
No classification provided (evidence only). Condition: Melanoma. Review status: no classification provided. Collection method: in vitro. Allele origin: not applicable. Functional consequence: retained intron. Not counted in ClinVar's aggregate classification.

Dr. Peter K. Rogan Lab, Western University
No classification provided (evidence only). Condition: Acute myeloid leukemia. Review status: no classification provided. Collection method: in vitro. Allele origin: not applicable. Functional consequence: retained intron. Not counted in ClinVar's aggregate classification.

Dr. Peter K. Rogan Lab, Western University
No classification provided (evidence only). Condition: Nonpapillary renal cell carcinoma. Review status: no classification provided. Collection method: in vitro. Allele origin: not applicable. Functional consequence: retained intron. Not counted in ClinVar's aggregate classification.

Dr. Peter K. Rogan Lab, Western University
No classification provided (evidence only). Condition: Ovarian serous cystadenocarcinoma. Review status: no classification provided. Collection method: in vitro. Allele origin: not applicable. Functional consequence: retained intron. Not counted in ClinVar's aggregate classification.

Dr. Peter K. Rogan Lab, Western University
No classification provided (evidence only). Condition: Malignant tumor of esophagus. Review status: no classification provided. Collection method: in vitro. Allele origin: not applicable. Functional consequence: retained intron. Not counted in ClinVar's aggregate classification.